The following is an entry in ClinVar:

NM_001698.3(AUH):c.677G>A (p.Arg226His)

Gene: AUH (AU RNA binding methylglutaconyl-CoA hydratase; minus strand). Cytogenetic location: 9q22.31.
Variant type: single nucleotide variant.
Coding change: c.677G>A on transcript NM_001698.3 (MANE Select); coding-DNA position 677, G replaced by A.
Protein change: p.Arg226His; replaces arginine 226 with histidine.
Molecular consequence: missense variant.
Genome position (GRCh38, 1-based): chr9:91,220,971, C>T on the plus strand (G>A on the coding strand, the complement: AUH is on the minus strand). VCF-style: chr9-91220971-C-T. GRCh37 (hg19) VCF-style: chr9-93983253-C-T.
Other names: c.590G>A, p.Arg197His (NM_001306190.2); c.350G>A, p.Arg117His (NM_001351431.2, NM_001351432.2, NM_001351433.2); short protein forms R117H, R226H, R197H.
Identifiers: ClinVar variation 1979155 (VCV001979155.4), dbSNP rs752044125, ClinGen allele CA5119757.

ClinVar aggregate classification (germline): Uncertain significance (1 of 4 stars; one submission).

Conditions:
3-methylglutaconic aciduria type 1 (MGCA1). Identifiers: Orphanet 67046, MedGen C0342727, MONDO:0009610, OMIM 250950.

Allele frequency attached by ClinVar (database versions not stated): gnomAD 0.00003; gnomAD exomes 0.00003; TOPMed 0.00003; ExAC 0.00005.
gnomAD v4.1: 45 of 1,614,008 alleles (0.0028%); highest among the groups gnomAD compares: South Asian, 0.033%; no homozygotes.

Submission:

Labcorp Genetics (formerly Invitae), Labcorp
Classification: Uncertain significance for 3-methylglutaconic aciduria type 1. Last evaluated: 2024-02-24. Review status: criteria provided, single submitter. Criteria: Invitae Variant Classification Sherloc (09022015). Collection method: clinical testing. Allele origin: germline.
Comment: This sequence change replaces arginine, which is basic and polar, with histidine, which is basic and polar, at codon 226 of the AUH protein (p.Arg226His). This variant is present in population databases (rs752044125, gnomAD 0.04%). This variant has not been reported in the literature in individuals affected with AUH-related conditions. ClinVar contains an entry for this variant (Variation ID: 1979155). Advanced modeling of protein sequence and biophysical properties (such as structural, functional, and spatial information, amino acid conservation, physicochemical variation, residue mobility, and thermodynamic stability) performed at Invitae indicates that this missense variant is not expected to disrupt AUH protein function with a negative predictive value of 80%. In summary, the available evidence is currently insufficient to determine the role of this variant in disease. Therefore, it has been classified as a Variant of Uncertain Significance.